The following is an entry in ClinVar:

ClinVar aggregate classification (germline): Conflicting classifications of pathogenicity. Review status: criteria provided, conflicting classifications (1 of 4 stars). 23 submissions from 20 submitters: Pathogenic (15); Likely pathogenic (4); Uncertain significance (1). 3 of the submissions do not count toward it. Last evaluated 2026-08-06.

Conditions:
TYR-related disorder. Also called: TYR-related condition.
Oculocutaneous albinism type 1A (OCA1A). Also called: Albinism, oculocutaneous, type IA. Identifiers: Orphanet 352731, Orphanet 79431, MedGen C4551504, MONDO:0008745, OMIM 203100. Disease mechanism: loss of function.
Oculocutaneous albinism type 1B (OCA1B). Also called: ALBINISM, OCULOCUTANEOUS, TYPE IB; ALBINISM, YELLOW MUTANT TYPE; YELLOW ALBINISM. Identifiers: Orphanet 352731, Orphanet 352737, Orphanet 79434, MedGen C1847024, MONDO:0011749, OMIM 606952.
SKIN/HAIR/EYE PIGMENTATION 3, LIGHT/DARK SKIN (SHEP3). Also called: SKIN/HAIR/EYE PIGMENTATION, VARIATION IN, 3; EYE COLOR 1; EYE COLOR, GREEN/BLUE; SKIN/HAIR/EYE PIGMENTATION 3, BLUE/GREEN EYE COLOR; SKIN/HAIR/EYE PIGMENTATION 3, FRECKLING. Identifiers: MedGen C2677190, OMIM 601800.
Albinism or congenital nystagmus.
Nonsyndromic Oculocutaneous Albinism.
Oculocutaneous albinism. Identifiers: Orphanet 55, MedGen C0078918, MONDO:0018910.
Ocular albinism with congenital sensorineural hearing loss. Identifiers: MedGen CN028925.
Oculocutaneous albinism type 1. Also called: Albinism 1; ALBINISM I. Identifiers: Orphanet 352731, MedGen C0268494, MONDO:0018135. Disease mechanism: loss of function.

Allele frequency attached by ClinVar (database versions not stated): ExAC 0.00020; TOPMed 0.00022; gnomAD 0.00029.
gnomAD v4.1: 301 of 1,612,466 alleles (0.019%); highest among the groups gnomAD compares: Middle Eastern, 0.13%; no homozygotes.

Submissions 1 to 13 of 23:

PreventionGenetics, part of Exact Sciences
Classification: Pathogenic for TYR-related condition. Last evaluated: 2026-08-06. Review status: criteria provided, single submitter. Criteria: ACMG Guidelines, 2015. Collection method: clinical testing. Allele origin: germline.
Comment: The TYR c.649C>T variant is predicted to result in the amino acid substitution p.Arg217Trp. This variant has been reported in individuals with oculocutaneous albinism (Tripathi et al. 1992. PubMed ID: 1642278; Shahzad et al. 2017. PubMed ID: 28266639; Table S1, Yohe et al. 2019. PubMed ID: 31816670). Alternate substitutions of this same amino acid residue (p.Arg217Gly, p.Arg217Gln, and p.Arg217Pro) have also been reported in individuals with oculocutaneous albinism (Spritz et al. 1997. PubMed ID: 9259202; Marti et al. 2018. PubMed ID: 28976636; Wei et al. 2022. PubMed ID: 34838614). This variant is present in 0.039% of alleles in individuals of South Asian descent in gnomAD. Given the evidence, we interpret this variant as pathogenic.

North West Genomic Laboratory Hub, Manchester University NHS Foundation Trust
Classification: Likely pathogenic for Albinism or congenital nystagmus. Last evaluated: 2026-06-03. Review status: criteria provided, single submitter. Criteria: ACGS Best Practice Guidelines for Variant Classification in Rare Disease 2020. Collection method: clinical testing. Allele origin: germline. Affected: yes.
Comment: PM1_Mod PM3_Str PM2_Mod

Labcorp Genetics (formerly Invitae), Labcorp
Classification: Pathogenic. Last evaluated: 2026-01-26. Review status: criteria provided, single submitter. Criteria: Invitae Variant Classification Sherloc (09022015). Collection method: clinical testing. Allele origin: germline.
Comment: This sequence change replaces arginine, which is basic and polar, with tryptophan, which is neutral and slightly polar, at codon 217 of the TYR protein (p.Arg217Trp). This variant is present in population databases (rs63159160, gnomAD 0.04%). This missense change has been observed in individual(s) with ocular albinism (PMID: 1642278, 10987646, 27734839, 28266639). In at least one individual the data is consistent with being in trans (on the opposite chromosome) from a pathogenic variant. ClinVar contains an entry for this variant (Variation ID: 3795). Invitae Evidence Modeling of protein sequence and biophysical properties (such as structural, functional, and spatial information, amino acid conservation, physicochemical variation, residue mobility, and thermodynamic stability) has been performed for this missense variant. However, the output from this modeling did not meet the statistical confidence thresholds required to predict the impact of this variant on TYR protein function. For these reasons, this variant has been classified as Pathogenic.

Dasa
Classification: Pathogenic. Last evaluated: 2025-08-07. Review status: criteria provided, single submitter. Criteria: DASA Assertion Criteria. Collection method: clinical testing. Allele origin: germline.
Comment: NM_000372.5(TYR):c.649C>T (p.Arg217Trp) is a missense variant that results in the substitution of arginine with tryptophan. This variant has been recurrently observed in individuals with related phenotype (PMID: 1642278; PMID: 10987646; PMID: 27734839; PMID: 28266639). Segregation evidence has been reported in affected families. The variant is present at low frequency in population datasets. Based on the available data, this variant is classified as pathogenic.

Women's Health and Genetics/Laboratory Corporation of America, LabCorp
Classification: Pathogenic for Oculocutaneous albinism. Last evaluated: 2025-07-02. Review status: criteria provided, single submitter. Criteria: LabCorp Variant Classification Summary - May 2015. Collection method: clinical testing. Allele origin: germline.
Comment: Variant summary: TYR c.649C>T (p.Arg217Trp) results in a non-conservative amino acid change in the encoded protein sequence. Algorithms developed to predict the effect of missense changes on protein structure and function are either unavailable or do not agree on the potential impact of this missense change. The variant allele was found at a frequency of 0.00018 in 250756 control chromosomes. This frequency is not significantly higher than estimated for a pathogenic variant in TYR causing Oculocutaneous Albinism (0.00018 vs 0.0056), allowing no conclusion about variant significance. c.649C>T has been observed in multiple individuals affected with Oculocutaneous Albinism (examples, Tripathi_1992, Lasseaux_2017, Shahzad_2017). These data indicate that the variant is very likely to be associated with disease. A different variant affecting the same codon has been classified as pathogenic by our lab (c.650G>A, p.Arg217Gln), supporting the critical relevance of codon 217 to TYR protein function. To our knowledge, no experimental evidence demonstrating an impact on protein function has been reported. The following publications have been ascertained in the context of this evaluation (PMID: 29345414, 28266639, 1642278). ClinVar contains an entry for this variant (Variation ID: 3795). Based on the evidence outlined above, the variant was classified as pathogenic.

Department of Clinical Genetics, Copenhagen University Hospital, Rigshospitalet
Classification: Likely pathogenic for Oculocutaneous albinism type 1. Last evaluated: 2025-05-23. Review status: criteria provided, single submitter. Criteria: ACMG Guidelines, 2015. Collection method: clinical testing. Allele origin: germline.
Comment: The following ACMG criteria has been used: PS4_mod, PM3_str, PM2_sup

First Genomix Gene Laboratory, Genetic Diagnostics Department
Classification: Pathogenic for Oculocutaneous albinism type 1B; Oculocutaneous albinism type 1A. Last evaluated: 2025-05-08. Review status: criteria provided, single submitter. Criteria: ACMG Guidelines, 2015. Collection method: clinical testing. Allele origin: germline. Inheritance: Autosomal recessive inheritance. Affected: no. Observed: 1 variant allele.

GeneDx
Classification: Pathogenic. Last evaluated: 2025-05-08. Review status: criteria provided, single submitter. Criteria: GeneDx Variant Classification Process June 2021. Collection method: clinical testing. Allele origin: germline. Affected: yes.
Comment: In silico analysis suggests that this missense variant does not alter protein structure/function; This variant is associated with the following publications: (PMID: 8477259, 1642278, 7963676, 13680365, 25216246, 28266639, 19626598, 18463683, 31589614, 36011402, 34426522, 33800529, 31816670)

Blueprint Genetics
Classification: Pathogenic for TYR-related disorders. Last evaluated: 2024-11-23. Review status: criteria provided, single submitter. Criteria: ACMG Guidelines, 2015. Collection method: clinical testing. Allele origin: germline. Affected: yes. Observed: 5 variant alleles.

Clinical Genomics Laboratory, Washington University in St. Louis
Classification: Pathogenic for Oculocutaneous albinism type 1A; Oculocutaneous albinism type 1B. Last evaluated: 2024-09-22. Review status: criteria provided, single submitter. Criteria: ACMG Guidelines, 2015. Collection method: clinical testing. Allele origin: germline. Affected: yes.
Comment: The TYR c.649C>T (p.Arg217Trp) variant has been reported in several individuals affected with oculocutaneous albinism in the compound heterozygous state (Mauri L et al., PMID: 27734839; Passmore LA et al., PMID: 10987646; Shahzad M et al., PMID: 28266639). This variant has been reported in the ClinVar database as a germline pathogenic or likely pathogenic variant by several submitters and a variant of uncertain significance by one submitter. This variant is only observed on 54/282,142 alleles in the general population (gnomAD v.2.1.1), indicating it is not a common variant. Computational predictors are uncertain as to the impact of this variant on TYR function. Based on available information and the ACMG/AMP guidelines for variant interpretation (Richards S et al., PMID: 25741868), this variant is classified as pathogenic.

CeGaT Center for Human Genetics Tuebingen
Classification: Pathogenic. Last evaluated: 2024-07-01. Review status: criteria provided, single submitter. Criteria: CeGaT Center For Human Genetics Tuebingen Variant Classification Criteria Version 2. Collection method: clinical testing. Allele origin: germline. Affected: yes. Observed: 3 variant alleles.
Comment: TYR: PM3:Very Strong, PM2, PM5

Baylor Genetics
Classification: Pathogenic for SKIN/HAIR/EYE PIGMENTATION 3, LIGHT/DARK SKIN. Last evaluated: 2024-03-27. Review status: criteria provided, single submitter. Criteria: ACMG Guidelines, 2015. Collection method: clinical testing. Allele origin: unknown.

Fulgent Genetics
Classification: Pathogenic for Oculocutaneous albinism type 1A; SKIN/HAIR/EYE PIGMENTATION 3, LIGHT/DARK SKIN; Oculocutaneous albinism type 1B. Last evaluated: 2024-01-29. Review status: criteria provided, single submitter. Criteria: ACMG Guidelines, 2015. Collection method: clinical testing. Allele origin: germline.

NM_000372.5(TYR):c.649C>T (p.Arg217Trp)

Gene: TYR (tyrosinase; plus strand). Cytogenetic location: 11q14.3.
Variant type: single nucleotide variant.
Coding change: c.649C>T on transcript NM_000372.5 (MANE Select); coding-DNA position 649, C replaced by T.
Protein change: p.Arg217Trp; replaces arginine 217 with tryptophan.
Molecular consequence: missense variant.
Genome position (GRCh38, 1-based): chr11:89,178,602, C>T. VCF-style: chr11-89178602-C-T. GRCh37 (hg19) VCF-style: chr11-88911770-C-T.
Other names: short protein forms R217W.
Identifiers: ClinVar variation 3795 (VCV000003795.55), dbSNP rs63159160, ClinGen allele CA227578.